The following is an entry in ClinVar:

NM_006767.4(LZTR1):c.500T>A (p.Ile167Asn)

Gene: LZTR1 (leucine zipper like post translational regulator 1; plus strand). Cytogenetic location: 22q11.21.
Variant type: single nucleotide variant.
Coding change: c.500T>A on transcript NM_006767.4 (MANE Select); coding-DNA position 500, T replaced by A.
Protein change: p.Ile167Asn; replaces isoleucine 167 with asparagine.
Molecular consequence: missense variant.
Genome position (GRCh38, 1-based): chr22:20,988,109, T>A. VCF-style: chr22-20988109-T-A. GRCh37 (hg19) VCF-style: chr22-21342398-T-A.
Other names: short protein forms I167N.
Identifiers: ClinVar variation 4697818 (VCV004697818.1).

ClinVar aggregate classification (germline): Uncertain significance (1 of 4 stars; one submission).

Submission:

Labcorp Genetics (formerly Invitae), Labcorp
Classification: Uncertain significance. Last evaluated: 2026-01-11. Review status: criteria provided, single submitter. Criteria: Invitae Variant Classification Sherloc (09022015). Collection method: clinical testing. Allele origin: germline.
Comment: This sequence change replaces isoleucine, which is neutral and non-polar, with asparagine, which is neutral and polar, at codon 167 of the LZTR1 protein (p.Ile167Asn). This variant is not present in population databases (gnomAD no frequency). This variant has not been reported in the literature in individuals affected with LZTR1-related conditions. Invitae Evidence Modeling of protein sequence and biophysical properties (such as structural, functional, and spatial information, amino acid conservation, physicochemical variation, residue mobility, and thermodynamic stability) indicates that this missense variant is not expected to disrupt LZTR1 protein function with a negative predictive value of 80%. In summary, the available evidence is currently insufficient to determine the role of this variant in disease. Therefore, it has been classified as a Variant of Uncertain Significance.